The following is an entry in ClinVar:

ClinVar aggregate classification (germline): Uncertain significance (1 of 4 stars; one submission).

Allele frequency attached by ClinVar (database versions not stated): gnomAD exomes below 0.00001; TOPMed below 0.00001.
gnomAD v4.1: 8 of 1,565,696 alleles (0.00051%); highest among the groups gnomAD compares: Admixed American, 0.002%; no homozygotes.

Submission:

Labcorp Genetics (formerly Invitae), Labcorp
Classification: Uncertain significance. Last evaluated: 2022-02-10. Review status: criteria provided, single submitter. Criteria: Invitae Variant Classification Sherloc (09022015). Collection method: clinical testing. Allele origin: germline.
Comment: In summary, the available evidence is currently insufficient to determine the role of this variant in disease. Therefore, it has been classified as a Variant of Uncertain Significance. Algorithms developed to predict the effect of missense changes on protein structure and function (SIFT, PolyPhen-2, Align-GVGD) all suggest that this variant is likely to be disruptive. This sequence change replaces alanine, which is neutral and non-polar, with threonine, which is neutral and polar, at codon 287 of the CTBP1 protein (p.Ala287Thr). The frequency data for this variant in the population databases is considered unreliable, as metrics indicate poor data quality at this position in the gnomAD database. This variant has not been reported in the literature in individuals affected with CTBP1-related conditions.

NM_001012614.2(CTBP1):c.826G>A (p.Ala276Thr)

Genes: CTBP1 (C-terminal binding protein 1; minus strand), CTBP1-AS (CTBP1 antisense RNA; plus strand). Cytogenetic location: 4p16.3.
Variant type: single nucleotide variant.
Coding change: c.826G>A on transcript NM_001012614.2 (MANE Select); coding-DNA position 826, G replaced by A.
Protein change: p.Ala276Thr; replaces alanine 276 with threonine.
Molecular consequence: missense variant.
Genome position (GRCh38, 1-based): chr4:1,214,377, C>T on the plus strand (G>A on the coding strand, the complement: CTBP1 is on the minus strand). VCF-style: chr4-1214377-C-T. GRCh37 (hg19) VCF-style: chr4-1208165-C-T.
Other names: c.859G>A, p.Ala287Thr (NM_001328.3, NM_001377186.1); c.826G>A, p.Ala276Thr (NM_001377187.1, NM_001377188.1, NM_001377189.1 and 4 more transcripts); short protein forms A276T, A287T.
Identifiers: ClinVar variation 1927524 (VCV001927524.5), dbSNP rs1031166870, ClinGen allele CA91160059.
Genomic context (GRCh38, chr4:1,214,377, plus strand): 5'-GGGGGCGGCACTGGCCGTGGGGGCACCTGAAGGGTTCCGACTCGTGCACATCCAGGGCCG[C>T]GCCGCGGATCCGGCCCTCCTTCAGGGCCTGGGCCAGCGCCTTCTCATCCACCAGGCCACC-3'
Protein context (NP_001012632.1, residues 266-286): QALKEGRIRG[Ala276Thr]ALDVHESEPF